The following is an entry in ClinVar:

NC_000007.13:g.(?_6026815)_(6032194_?)del

Gene: PMS2 (PMS1 homolog 2, mismatch repair system component; minus strand). Cytogenetic location: 7p22.1.
Variant type: Deletion.
Identifiers: ClinVar variation 1395121 (VCV001395121.6).

ClinVar aggregate classification (germline): Pathogenic (1 of 4 stars; one submission).

Conditions:
Hereditary nonpolyposis colorectal neoplasms. Identifiers: MedGen C0009405, MeSH D003123.

Submission:

Labcorp Genetics (formerly Invitae), Labcorp
Classification: Pathogenic for Hereditary nonpolyposis colorectal neoplasms. Last evaluated: 2021-05-19. Review status: criteria provided, single submitter. Criteria: Invitae Variant Classification Sherloc (09022015). Collection method: clinical testing. Allele origin: germline.
Comment: For these reasons, this variant has been classified as Pathogenic. The region of the PMS2 gene that includes exon(s) 10 has been determined to be clinically significant (PMID: 23837913, 22577899, 18602922, 16472587, 26318770). Therefore, deletions that encompass that region are likely to disrupt protein function and cause disease. This variant has not been reported in the literature in individuals with PMS2-related conditions. This variant results in the deletion of exon(s) 9-10 and part of exon 11 (c.904-506_1581del) of the PMS2 gene. It is expected to disrupt RNA splicing. Variants that disrupt the donor or acceptor splice site typically lead to a loss of protein function (PMID: 16199547), and loss-of-function variants in PMS2 are known to be pathogenic (PMID: 21376568, 24362816).

Literature cited by the submitters: PubMed 23837913; PubMed 22577899; PubMed 18602922; PubMed 16472587; PubMed 26318770; PubMed 16199547; PubMed 21376568; PubMed 24362816.